The following is an entry in ClinVar:

NM_001258392.3(CLPB):c.784C>T (p.Pro262Ser)

Gene: CLPB (ClpB family mitochondrial disaggregase; minus strand). Cytogenetic location: 11q13.4.
Variant type: single nucleotide variant.
Coding change: c.784C>T on transcript NM_001258392.3 (MANE Select); coding-DNA position 784, C replaced by T.
Protein change: p.Pro262Ser; replaces proline 262 with serine.
Molecular consequence: missense variant.
Genome position (GRCh38, 1-based): chr11:72,329,796, G>A on the plus strand (C>T on the coding strand, the complement: CLPB is on the minus strand). VCF-style: chr11-72329796-G-A. GRCh37 (hg19) VCF-style: chr11-72040840-G-A.
Other names: c.697C>T, p.Pro233Ser (NM_001258393.3); c.739C>T, p.Pro247Ser (NM_001258394.3); c.874C>T, p.Pro292Ser (NM_030813.6); short protein forms P262S, P233S, P247S, P292S.
Identifiers: ClinVar variation 3695919 (VCV003695919.2).

ClinVar aggregate classification (germline): Uncertain significance (1 of 4 stars; one submission).

Conditions:
3-methylglutaconic aciduria, type VIIB (MGCA7B). Also called: 3-methylglutaconic aciduria, type VII, with cataracts, neurologic involvement and neutropenia; CLPB Deficiency; 3-methylglutaconic aciduria with cataracts, neurologic involvement and neutropenia. Identifiers: Orphanet 445038, MedGen C5676893, MONDO:0014561, OMIM 616271.

Submission:

Labcorp Genetics (formerly Invitae), Labcorp
Classification: Uncertain significance for 3-methylglutaconic aciduria, type VIIB. Last evaluated: 2024-04-05. Review status: criteria provided, single submitter. Criteria: Invitae Variant Classification Sherloc (09022015). Collection method: clinical testing. Allele origin: germline.
Comment: This sequence change replaces proline, which is neutral and non-polar, with serine, which is neutral and polar, at codon 292 of the CLPB protein (p.Pro292Ser). This variant is not present in population databases (gnomAD no frequency). This variant has not been reported in the literature in individuals affected with CLPB-related conditions. An algorithm developed to predict the effect of missense changes on protein structure and function (PolyPhen-2) suggests that this variant is likely to be disruptive. In summary, the available evidence is currently insufficient to determine the role of this variant in disease. Therefore, it has been classified as a Variant of Uncertain Significance.